The following is an entry in ClinVar:

ClinVar aggregate classification (germline): Uncertain significance (1 of 4 stars; one submission).

gnomAD v4.1: 1 of 1,546,058 alleles (0.000065%); highest among the groups gnomAD compares: Middle Eastern, 0.017%; no homozygotes.

Submission:

Labcorp Genetics (formerly Invitae), Labcorp
Classification: Uncertain significance. Last evaluated: 2025-06-15. Review status: criteria provided, single submitter. Criteria: Invitae Variant Classification Sherloc (09022015). Collection method: clinical testing. Allele origin: germline.
Comment: This sequence change replaces glycine, which is neutral and non-polar, with aspartic acid, which is acidic and polar, at codon 1482 of the NOTCH3 protein (p.Gly1482Asp). This variant is not present in population databases (gnomAD no frequency). This variant has not been reported in the literature in individuals affected with NOTCH3-related conditions. Invitae Evidence Modeling of protein sequence and biophysical properties (such as structural, functional, and spatial information, amino acid conservation, physicochemical variation, residue mobility, and thermodynamic stability) indicates that this missense variant is not expected to disrupt NOTCH3 protein function with a negative predictive value of 95%. In summary, the available evidence is currently insufficient to determine the role of this variant in disease. Therefore, it has been classified as a Variant of Uncertain Significance.

NM_000435.3(NOTCH3):c.4445G>A (p.Gly1482Asp)

Gene: NOTCH3 (notch receptor 3; minus strand). Cytogenetic location: 19p13.12.
Variant type: single nucleotide variant.
Coding change: c.4445G>A on transcript NM_000435.3 (MANE Select); coding-DNA position 4445, G replaced by A.
Protein change: p.Gly1482Asp; replaces glycine 1482 with aspartic acid.
Molecular consequence: missense variant.
Genome position (GRCh38, 1-based): chr19:15,174,359, C>T on the plus strand (G>A on the coding strand, the complement: NOTCH3 is on the minus strand). VCF-style: chr19-15174359-C-T. GRCh37 (hg19) VCF-style: chr19-15285170-C-T.
Other names: short protein forms G1482D.
Identifiers: ClinVar variation 4802097 (VCV004802097.1).